The following is an entry in ClinVar:

NC_000001.10:g.(?_40557947)_40561572del

Gene: PPT1 (palmitoyl-protein thioesterase 1; minus strand).
Variant type: Deletion.
Identifiers: ClinVar variation 1070722 (VCV001070722.2).

ClinVar aggregate classification (germline): Pathogenic (1 of 4 stars; one submission).

Conditions:
Neuronal ceroid lipofuscinosis 1 (CLN1). Also called: CEROID LIPOFUSCINOSIS, NEURONAL, 1, VARIABLE AGE AT ONSET; PPT1-Related Neuronal Ceroid-Lipofuscinosis. Identifiers: Orphanet 228329, MedGen C1850451, MONDO:0009744, OMIM 256730.

Submission:

Labcorp Genetics (formerly Invitae), Labcorp
Classification: Pathogenic for Neuronal ceroid lipofuscinosis 1. Last evaluated: 2019-02-08. Review status: criteria provided, single submitter. Criteria: Invitae Variant Classification Sherloc (09022015). Collection method: clinical testing. Allele origin: germline.
Comment: This variant is an out-of-frame deletion of the genomic region encompassing exon 2 of the PPT1 gene. This is expected to create a premature translational stop signal and result in an absent or disrupted protein product. Deletion of exon 2 has been observed in individuals affected with¬†neuronal ceroid-lipofuscinosis¬†(PMID:¬†19302939,¬†23374165). Loss-of-function variants in PPT1 are known to be pathogenic (PMID: 10679943). For these reasons, this variant has been classified as Pathogenic.

Literature cited by the submitters: PubMed 19302939; PubMed 23374165; PubMed 10679943.